The following is an entry in ClinVar:

ClinVar aggregate classification (germline): Likely pathogenic (1 of 4 stars; one submission).

Conditions:
Pyruvate carboxylase deficiency. Also called: ATAXIA WITH LACTIC ACIDOSIS II; LEIGH NECROTIZING ENCEPHALOPATHY DUE TO PYRUVATE CARBOXYLASE DEFICIENCY; LEIGH SYNDROME DUE TO PYRUVATE CARBOXYLASE DEFICIENCY; PC DEFICIENCY; Pyruvate Carboxylase Deficiency Disease. Identifiers: Orphanet 3008, MedGen C0034341, MONDO:0009949, OMIM 266150.

Submission:

Myriad Genetics, Inc.
Classification: Likely pathogenic for Pyruvate carboxylase deficiency. Last evaluated: 2022-02-19. Review status: criteria provided, single submitter. Criteria: Myriad Women's Health Autosomal Recessive and X-Linked Classification Criteria (2021). Collection method: clinical testing. Allele origin: unknown.
Comment: NM_000920.3(PC):c.597_606del10ins2(G200Rfs*98) is expected to be pathogenic in the context of pyruvate carboxylase deficiency. This variant is predicted to lead to an abnormal or absent protein product due to the creation of a premature termination codon in PC, a gene where loss-of-function variants are known to be pathogenic. Please note: this variant was assessed in the context of healthy population screening.

NM_001040716.2(PC):c.597_606delinsAA (p.Gly200fs)

Gene: PC (pyruvate carboxylase; minus strand). Cytogenetic location: 11q13.2.
Variant type: Indel.
Coding change: c.597_606delinsAA on transcript NM_001040716.2 (MANE Select); coding-DNA positions 597 to 606, TGGAGGGCGT replaced by AA.
Protein change: p.Gly200fs; shifts the reading frame from glycine 200.
Molecular consequence: frameshift variant.
Genome position (GRCh38, 1-based): chr11:66,871,079-66,871,088, ACGCCCTCCA replaced by TT on the plus strand (TGGAGGGCGT replaced by AA on the coding strand, the reverse complement: PC is on the minus strand). VCF-style: chr11-66871079-ACGCCCTCCA-TT. GRCh37 (hg19) VCF-style: chr11-66638550-ACGCCCTCCA-TT.
Other names: c.597_606delinsAA, p.Gly200fs (NM_000920.4, NM_022172.3); short protein forms G200fs.
Identifiers: ClinVar variation 1724555 (VCV001724555.2), dbSNP rs2495781557, ClinGen allele CA2580084586.